The following is an entry in ClinVar:

NM_001048174.2(MUTYH):c.1013C>G (p.Pro338Arg)

Gene: MUTYH (mutY DNA glycosylase; minus strand). Cytogenetic location: 1p34.1.
Variant type: single nucleotide variant.
Coding change: c.1013C>G on transcript NM_001048174.2 (MANE Select); coding-DNA position 1013, C replaced by G.
Protein change: p.Pro338Arg; replaces proline 338 with arginine.
Molecular consequence: missense variant. On other transcripts: non-coding transcript variant (7).
Genome position (GRCh38, 1-based): chr1:45,331,750, G>C on the plus strand (C>G on the coding strand, the complement: MUTYH is on the minus strand). VCF-style: chr1-45331750-G-C. GRCh37 (hg19) VCF-style: chr1-45797422-G-C.
Other names: c.1046C>G, p.Pro349Arg (NM_001293191.2, NM_001407069.1, NM_001407077.1); c.737C>G, p.Pro246Arg (NM_001293192.2, NM_001293196.2, NM_001407091.1); c.1013C>G, p.Pro338Arg (NM_001293195.2, NM_001407070.1, NM_001407072.1 and 6 more transcripts); c.668C>G, p.Pro223Arg (NM_001350650.2, NM_001350651.2, NM_001407082.1); c.1016C>G, p.Pro339Arg (NM_001407071.1, NM_001407078.1, NM_001048172.2 and 1 more transcripts); c.929C>G, p.Pro310Arg (NM_001407075.1); c.974C>G, p.Pro325Arg (NM_001407079.1); c.971C>G, p.Pro324Arg (NM_001407080.1); and 5 more; short protein forms P324R, P325R, P366R, P310R, P338R, P339R, P349R, P223R.
Identifiers: ClinVar variation 4113010 (VCV004113010.1).

ClinVar aggregate classification (germline): Uncertain significance (1 of 4 stars; one submission).

Conditions:
Hereditary cancer-predisposing syndrome. Also called: Tumor predisposition; Neoplastic Syndromes, Hereditary; Hereditary neoplastic syndrome; Hereditary Cancer Syndrome. Identifiers: Orphanet 140162, MedGen C0027672, MeSH D009386, MONDO:0015356.

Submission:

Ambry Genetics
Classification: Uncertain significance for Hereditary cancer-predisposing syndrome. Last evaluated: 2025-08-27. Review status: criteria provided, single submitter. Criteria: Ambry Variant Classification Scheme 2023. Collection method: clinical testing. Allele origin: germline.
Comment: The p.P366R variant (also known as c.1097C>G), located in coding exon 12 of the MUTYH gene, results from a C to G substitution at nucleotide position 1097. The proline at codon 366 is replaced by arginine, an amino acid with dissimilar properties. This amino acid position is conserved. In addition, the in silico prediction for this alteration is inconclusive. Based on the available evidence, the clinical significance of this variant remains unclear.